The following is an entry in ClinVar:

NM_001252078.2(USP15):c.1310T>C (p.Ile437Thr)

Gene: USP15 (ubiquitin specific peptidase 15; plus strand). Cytogenetic location: 12q14.1.
Variant type: single nucleotide variant.
Coding change: c.1310T>C on transcript NM_001252078.2 (MANE Select); coding-DNA position 1310, T replaced by C.
Protein change: p.Ile437Thr; replaces isoleucine 437 with threonine.
Molecular consequence: missense variant. On other transcripts: non-coding transcript variant (5).
Genome position (GRCh38, 1-based): chr12:62,384,139, T>C. VCF-style: chr12-62384139-T-C. GRCh37 (hg19) VCF-style: chr12-62777920-T-C.
Other names: c.947T>C, p.Ile316Thr (NM_001351159.2); c.563T>C, p.Ile188Thr (NM_001351160.2); c.311T>C, p.Ile104Thr (NM_001351163.2, NM_001351164.2, NM_001351165.2 and 1 more transcripts); c.1223T>C, p.Ile408Thr (NM_006313.3); c.1310T>C (NM_001252078.1); short protein forms I104T, I437T, I316T, I188T, I408T.
Identifiers: ClinVar variation 2360631 (VCV002360631.4), dbSNP rs139166271, ClinGen allele CA6662691.

ClinVar aggregate classification (germline): Uncertain significance. Review status: criteria provided, single submitter (1 of 4 stars). 2 submissions from 2 submitters: Uncertain significance (1). 1 of the submissions does not count toward it. Last evaluated 2021-10-12.

Conditions:
USP15-related disorder. Also called: USP15-related condition.

Allele frequency attached by ClinVar (database versions not stated): gnomAD exomes 0.00006; ExAC 0.00025; ESP Exome Variant Server 0.00054; gnomAD 0.00056; TOPMed 0.00075; 1000 Genomes Project 0.00080; 1000 Genomes Project 30x 0.00094.
gnomAD v4.1: 179 of 1,613,040 alleles (0.011%); highest among the groups gnomAD compares: African/African-American, 0.21%; no homozygotes.

Submissions (2):

Ambry Genetics
Classification: Uncertain significance. Last evaluated: 2021-10-12. Review status: criteria provided, single submitter. Criteria: Ambry Variant Classification Scheme 2023. Collection method: clinical testing. Allele origin: germline.

PreventionGenetics, part of Exact Sciences
Classification: Likely benign for USP15-related condition. Last evaluated: 2022-04-28. Review status: no assertion criteria provided. Collection method: clinical testing. Allele origin: germline. Not counted in ClinVar's aggregate classification.
Comment: This variant is classified as likely benign based on ACMG/AMP sequence variant interpretation guidelines (Richards et al. 2015 PMID: 25741868, with internal and published modifications).